The following is an entry in ClinVar:

ClinVar aggregate classification (germline): Pathogenic (1 of 4 stars; one submission).

Conditions:
Intellectual disability-microcephaly-strabismus-behavioral abnormalities syndrome. Also called: White-Sutton Syndrome. Identifiers: Orphanet 468678, MedGen C4225351, MONDO:0014606, OMIM 616364.

Submission:

Groupe Hospitalier Pitie Salpetriere, Uf Genomique Du Developpement, Assistance Publique Hopitaux de Paris Sorbonne Université
Classification: Pathogenic for White-Sutton syndrome. Last evaluated: 2017-01-06. Review status: criteria provided, single submitter. Criteria: ACMG Guidelines, 2015. Collection method: clinical testing. Allele origin: de novo. Affected: yes. Observed: 1 variant allele.
Comment: Intellectual disability, moderate; tall stature; epilepsy; morphological anomalies

Literature cited by the submitters: PubMed 28708303.

NM_015100.4(POGZ):c.1810G>T (p.Glu604Ter)

Gene: POGZ (pogo transposable element derived with ZNF domain; minus strand). Cytogenetic location: 1q21.3.
Variant type: single nucleotide variant.
Coding change: c.1810G>T on transcript NM_015100.4 (MANE Select); coding-DNA position 1810, G replaced by T.
Protein change: p.Glu604Ter; replaces glutamic acid 604 with a stop codon.
Molecular consequence: nonsense.
Genome position (GRCh38, 1-based): chr1:151,411,741, C>A on the plus strand (G>T on the coding strand, the complement: POGZ is on the minus strand). VCF-style: chr1-151411741-C-A. GRCh37 (hg19) VCF-style: chr1-151384217-C-A.
Other names: c.1783G>T, p.Glu595Ter (NM_001194937.2); c.1624G>T, p.Glu542Ter (NM_001194938.2); c.1525G>T, p.Glu509Ter (NM_145796.4); c.1651G>T, p.Glu551Ter (NM_207171.2); short protein forms E604*, E551*, E595*, E509*, E542*.
Identifiers: ClinVar variation 431126 (VCV000431126.3), dbSNP rs1135401798, ClinGen allele CA341963497.